The following is an entry in ClinVar:

NC_000022.11:g.40345604G>A

Gene: ADSL (adenylosuccinate lyase; plus strand). Cytogenetic location: 22q13.1.
Variant type: single nucleotide variant.
Genome position: GRCh38 VCF-style: chr22-40345604-G-A. GRCh37 (hg19) VCF-style: chr22-40741608-G-A.
Identifiers: ClinVar variation 1505799 (VCV001505799.6), dbSNP rs2146607753, ClinGen allele CA2573158329.
Genomic context (GRCh38, chr22:40,345,604, plus strand): 5'-TCCAGACTGAACAACATAGCAAGACCCTGTCAAAAAAAAAAAAAAGGGGGGGGGCCACTT[G>A]AGTGTTTCTATTTCTATTTATTTATTTAATTCTTTTATTTTTTGGAGACGGAGTCTCGCT-3'

ClinVar aggregate classification (germline): Uncertain significance (1 of 4 stars; one submission).

Conditions:
Adenylosuccinate lyase deficiency (ADSLD). Also called: ADSL DEFICIENCY. Identifiers: Orphanet 46, MedGen C0268126, MONDO:0007068, OMIM 103050.

Submission:

Labcorp Genetics (formerly Invitae), Labcorp
Classification: Uncertain significance for Adenylosuccinate lyase deficiency. Last evaluated: 2022-02-24. Review status: criteria provided, single submitter. Criteria: Invitae Variant Classification Sherloc (09022015). Collection method: clinical testing. Allele origin: germline.
Comment: In summary, the available evidence is currently insufficient to determine the role of this variant in disease. Therefore, it has been classified as a Variant of Uncertain Significance. Experimental studies and prediction algorithms are not available or were not evaluated, and the functional significance of this variant is currently unknown. This variant has not been reported in the literature in individuals affected with ADSL-related conditions. This variant is not present in population databases (gnomAD no frequency). This variant occurs in a non-coding region of the ADSL gene. It does not change the encoded amino acid sequence of the ADSL protein.